The following is an entry in ClinVar:

GRCh37/hg19 7q34(chr7:142829167-142836798)x1

Gene: PIP (prolactin induced protein; plus strand). Cytogenetic location: 7q34.
Variant type: copy number loss.
Change: copy number 1 (one copy instead of two) of chr7:142,829,167-142,836,798 (7.6 kb, GRCh37 coordinates, 1-based), cytogenetic band 7q34.
Identifiers: ClinVar variation 393831 (VCV000393831.3).

ClinVar aggregate classification (germline): Benign/Likely benign (0 of 4 stars; one submission).

Submission:

ISCA Site 6
Classification: Benign/Likely benign. Review status: no assertion criteria provided. Collection method: clinical testing. Allele origin: unknown. Affected: yes. Observed: 2 variant alleles.
Comment: Likely benign (1), Benign (1)

Copy number variation identified through the course of routine clinical cytogenomic testing in postnatal populations, with clinical assertions as classified by the original submitter. For data from the original published study, Kaminsky, et al. 2011 (PubMed 21844811), please see nstd101.